The following is an entry in ClinVar:

NM_006282.5(STK4):c.1435G>T (p.Ala479Ser)

Gene: STK4 (serine/threonine kinase 4; plus strand). Cytogenetic location: 20q13.12.
Variant type: single nucleotide variant.
Coding change: c.1435G>T on transcript NM_006282.5 (MANE Select); coding-DNA position 1435, G replaced by T.
Protein change: p.Ala479Ser; replaces alanine 479 with serine.
Molecular consequence: missense variant. On other transcripts: 3 prime UTR variant (1).
Genome position (GRCh38, 1-based): chr20:45,075,147, G>T. VCF-style: chr20-45075147-G-T. GRCh37 (hg19) VCF-style: chr20-43703788-G-T.
Other names: c.*141G>T (NM_001352385.2); short protein forms A479S.
Identifiers: ClinVar variation 2199411 (VCV002199411.3), dbSNP rs368897909, ClinGen allele CA9874087.

ClinVar aggregate classification (germline): Uncertain significance. Review status: criteria provided, multiple submitters, no conflicts (2 of 4 stars). 2 submissions from 2 submitters: Uncertain significance (2). Last evaluated 2023-05-31.

Conditions:
Inborn genetic diseases. Identifiers: MedGen C0950123, MeSH D030342.
Combined immunodeficiency due to STK4 deficiency (IMD110). Also called: T-cell immunodeficiency, recurrent infections, and autoimmunity with or without cardiac malformations; STK4 DEFICIENCY; MST1 DEFICIENCY. Identifiers: Orphanet 314689, MedGen C3553943, MONDO:0013934, OMIM 614868.

Allele frequency attached by ClinVar (database versions not stated): gnomAD 0.00002; TOPMed 0.00002; ExAC 0.00003; gnomAD exomes 0.00006; ESP Exome Variant Server 0.00015.
gnomAD v4.1: 95 of 1,613,944 alleles (0.0059%); highest among the groups gnomAD compares: Non-Finnish European, 0.0077%; no homozygotes.

Submissions (2):

Ambry Genetics
Classification: Uncertain significance for Inborn genetic diseases. Last evaluated: 2023-05-31. Review status: criteria provided, single submitter. Criteria: Ambry Variant Classification Scheme 2023. Collection method: clinical testing. Allele origin: germline.

Labcorp Genetics (formerly Invitae), Labcorp
Classification: Uncertain significance for Combined immunodeficiency due to STK4 deficiency. Last evaluated: 2022-09-24. Review status: criteria provided, single submitter. Criteria: Invitae Variant Classification Sherloc (09022015). Collection method: clinical testing. Allele origin: germline.
Comment: This sequence change replaces alanine, which is neutral and non-polar, with serine, which is neutral and polar, at codon 479 of the STK4 protein (p.Ala479Ser). This variant is present in population databases (rs368897909, gnomAD 0.004%). This variant has not been reported in the literature in individuals affected with STK4-related conditions. Advanced modeling of protein sequence and biophysical properties (such as structural, functional, and spatial information, amino acid conservation, physicochemical variation, residue mobility, and thermodynamic stability) performed at Invitae indicates that this missense variant is not expected to disrupt STK4 protein function. In summary, the available evidence is currently insufficient to determine the role of this variant in disease. Therefore, it has been classified as a Variant of Uncertain Significance.